The following is an entry in ClinVar:

NM_000038.6(APC):c.1239dup (p.Arg414fs)

Gene: APC (APC regulator of Wnt signaling pathway; plus strand). Cytogenetic location: 5q22.2.
Variant type: Duplication.
Coding change: c.1239dup on transcript NM_000038.6 (MANE Select); coding-DNA position 1239, one base duplicated (A; older notation c.1239dupA).
Protein change: p.Arg414fs; shifts the reading frame from arginine 414.
Molecular consequence: frameshift variant.
Genome position (GRCh38, 1-based): chr5:112,819,271, A duplicated. VCF-style (leftmost placement, unchanged base first): chr5-112819270-T-TA. GRCh37 (hg19) VCF-style: chr5-112154967-T-TA.
Other names: c.1239dup, p.Arg414fs (NM_001127510.3, NM_001354895.2, NM_001354896.2); c.1185dup, p.Arg396fs (NM_001127511.3); c.1269dup, p.Arg424fs (NM_001354897.2); c.1164dup, p.Arg389fs (NM_001354898.2); c.1155dup, p.Arg386fs (NM_001354899.2); c.1062dup, p.Arg355fs (NM_001354900.2, NM_001354901.2); c.966dup, p.Arg323fs (NM_001354902.2); c.936dup, p.Arg313fs (NM_001354903.2); and 4 more; short protein forms R131fs, R313fs, R396fs, R355fs, R386fs, R414fs, R323fs, R389fs.
Identifiers: ClinVar variation 246085 (VCV000246085.21), dbSNP rs879254088, ClinGen allele CA10584239.

ClinVar aggregate classification (germline): Pathogenic. Review status: criteria provided, multiple submitters, no conflicts (2 of 4 stars). 5 submissions from 5 submitters: Pathogenic (5). Last evaluated 2025-01-06.

Conditions:
Hereditary cancer-predisposing syndrome. Also called: Hereditary neoplastic syndrome; Neoplastic Syndromes, Hereditary; Tumor predisposition; Hereditary Cancer Syndrome. Identifiers: Orphanet 140162, MedGen C0027672, MeSH D009386, MONDO:0015356.
Familial adenomatous polyposis 1 (FAP1). Also called: FAMILIAL ADENOMATOUS POLYPOSIS 1, ATTENUATED; POLYPOSIS, ADENOMATOUS INTESTINAL. Identifiers: MedGen C2713442, MONDO:0021056, OMIM 175100. Disease mechanism: loss of function.

Allele frequency attached by ClinVar (database versions not stated): gnomAD exomes below 0.00001.

Submissions (5):

Ambry Genetics
Classification: Pathogenic for Hereditary cancer-predisposing syndrome. Last evaluated: 2025-01-06. Review status: criteria provided, single submitter. Criteria: Ambry Variant Classification Scheme 2023. Collection method: clinical testing. Allele origin: germline.
Comment: The c.1239dupA pathogenic mutation, located in coding exon 9 of the APC gene, results from a duplication of A at nucleotide position 1239, causing a translational frameshift with a predicted alternate stop codon (p.R414Tfs*5). This mutation has been previously reported in families with classic FAP presentation, as well as extracolonic tumors, such as hepatocellular, pancreatic and duodenal cancers (Kerr SE et al. J Mol Diagn 2013 Jan; 15(1):31-43; Andresen PA et al. J. Cancer Res. Clin. Oncol. 2009 Oct; 135(10):1463-70). In addition to the clinical data presented in the literature, this alteration is expected to result in loss of function by premature protein truncation or nonsense-mediated mRNA decay. As such, this alteration is interpreted as a disease-causing mutation.

Labcorp Genetics (formerly Invitae), Labcorp
Classification: Pathogenic for Familial adenomatous polyposis 1. Last evaluated: 2024-06-04. Review status: criteria provided, single submitter. Criteria: Invitae Variant Classification Sherloc (09022015). Collection method: clinical testing. Allele origin: germline.
Comment: This sequence change creates a premature translational stop signal (p.Arg414Thrfs*5) in the APC gene. It is expected to result in an absent or disrupted protein product. Loss-of-function variants in APC are known to be pathogenic (PMID: 17963004, 20685668). This variant is not present in population databases (gnomAD no frequency). This premature translational stop signal has been observed in individual(s) with familial adenomatous polyposis (PMID: 19444466, 23159591). ClinVar contains an entry for this variant (Variation ID: 246085). For these reasons, this variant has been classified as Pathogenic.

Color Diagnostics, LLC DBA Color Health
Classification: Pathogenic for Hereditary cancer-predisposing syndrome. Last evaluated: 2023-05-24. Review status: criteria provided, single submitter. Criteria: ACMG Guidelines, 2015. Collection method: clinical testing. Allele origin: germline.
Comment: This variant inserts 1 nucleotide in exon 10 of the APC gene, creating a frameshift and premature translation stop signal. This variant is expected to result in an absent or non-functional protein product. This variant has been reported in individuals affected with familial adenomatous polyposis (PMID: 19444466, 23159591). This variant has not been identified in the general population by the Genome Aggregation Database (gnomAD). Loss of APC function is a known mechanism of disease. Based on the available evidence, this variant is classified as Pathogenic.

Myriad Genetics, Inc.
Classification: Pathogenic for Familial adenomatous polyposis 1. Last evaluated: 2023-04-28. Review status: criteria provided, single submitter. Criteria: Myriad Autosomal Dominant, Autosomal Recessive and X-Linked Classification Criteria (2023). Collection method: clinical testing. Allele origin: unknown.
Comment: This variant is considered pathogenic. This variant creates a frameshift predicted to result in premature protein truncation.

GeneDx
Classification: Pathogenic. Last evaluated: 2021-12-07. Review status: criteria provided, single submitter. Criteria: GeneDx Variant Classification Process June 2021. Collection method: clinical testing. Allele origin: germline. Affected: yes.
Comment: Frameshift variant predicted to result in protein truncation or nonsense mediated decay in a gene for which loss-of-function is a known mechanism of disease; Not observed at significant frequency in large population cohorts (Lek et al., 2016); This variant is associated with the following publications: (PMID: 23159591, 19444466)

Literature cited by the submitters: PubMed 19444466 (cited by 3 submitters); PubMed 23159591 (cited by 3 submitters); PubMed 17963004 (cited by Labcorp Genetics (formerly Invitae), Labcorp); PubMed 20685668 (cited by Labcorp Genetics (formerly Invitae), Labcorp).